The following is an entry in ClinVar:

ClinVar aggregate classification (germline): Pathogenic (1 of 4 stars; one submission).

Submission:

Labcorp Genetics (formerly Invitae), Labcorp
Classification: Pathogenic. Last evaluated: 2023-02-16. Review status: criteria provided, single submitter. Criteria: Invitae Variant Classification Sherloc (09022015). Collection method: clinical testing. Allele origin: germline.
Comment: This sequence change creates a premature translational stop signal (p.Leu548*) in the OTOF gene. It is expected to result in an absent or disrupted protein product. Loss-of-function variants in OTOF are known to be pathogenic (PMID: 18381613, 19250381, 22575033). This variant is present in population databases (no rsID available, gnomAD 0.0009%). This variant has not been reported in the literature in individuals affected with OTOF-related conditions. For these reasons, this variant has been classified as Pathogenic.

Literature cited by the submitters: PubMed 18381613; PubMed 19250381; PubMed 22575033.

NM_194248.3(OTOF):c.1632_1641dup (p.Leu548Ter)

Gene: OTOF (otoferlin; minus strand). Cytogenetic location: 2p23.3.
Variant type: Duplication.
Coding change: c.1632_1641dup on transcript NM_194248.3 (MANE Select); coding-DNA positions 1632 to 1641, 10 bases duplicated (TAACTACACG; older notation c.1632_1641dupTAACTACACG).
Protein change: p.Leu548Ter; replaces leucine 548 with a stop codon.
Molecular consequence: nonsense.
Genome position (GRCh38, 1-based): chr2:26,480,948-26,480,957, CGTGTAGTTA duplicated on the plus strand (TAACTACACG on the coding strand, the reverse complement: OTOF is on the minus strand); duplicating any 10 consecutive bases within chr2:26,480,948-26,480,962 gives the same sequence; the c. name uses the placement nearest the transcript's 3' end. VCF-style (leftmost placement, unchanged base first): chr2-26480947-G-GCGTGTAGTTA. GRCh37 (hg19) VCF-style: chr2-26703815-G-GCGTGTAGTTA.
Other names: c.1632_1641dup, p.Leu548Ter (NM_001287489.2); short protein forms L548*.
Identifiers: ClinVar variation 3001647 (VCV003001647.3), dbSNP rs1445010124, ClinGen allele CA531762010.